The following is an entry in ClinVar:

ClinVar aggregate classification (germline): Likely pathogenic (0 of 4 stars; one submission).

Conditions:
Moyamoya disease. Also called: Moyamoya syndrome. Identifiers: Orphanet 2573, MedGen C0026654, MeSH D009072, MONDO:0016820.

Submission:

Institut national de la santé et de la recherche médicale, INSERM
Classification: Likely pathogenic for Moyamoya disease. Last evaluated: 2019-11-19. Review status: no assertion criteria provided. Collection method: research. Allele origin: de novo. Inheritance: X-linked recessive inheritance. Affected: yes. Observed: 5 variant alleles. Clinical features observed: Moyamoya phenomenon (HP:0011834), Pulmonary venous hypertension (HP:0030950).
Comment: A copy number variation gain identifyed in three unrelated families with moyamoya disease. For the second family, a duplication was identified in two sibs. It was inherited from a healthy mother. For the third family, a triplication was identified in two sibs affected with Moyamoya disease associated to pulmonary hypertension. The triplication was maternally inherited.

GRCh37/hg19 Xq28(chrX:148882560-149686856)x2

Genes: MAGEA8 (MAGE family member A8; plus strand), MAMLD1 (mastermind like domain containing 1; plus strand), EOLA2 (endothelium and lymphocyte associated ASCH domain 2; minus strand). Cytogenetic location: Xq28.
Variant type: copy number gain.
Change: copy number 2 of chrX:148,882,560-149,686,856 (804.3 kb, GRCh37 coordinates, 1-based), cytogenetic band Xq28.
Identifiers: ClinVar variation 694602 (VCV000694602.2).